The following is an entry in ClinVar:

ClinVar aggregate classification (germline): Uncertain significance (1 of 4 stars; one submission).

Conditions:
Nemaline myopathy 2 (NEM2). Also called: Nemaline myopathy 2, autosomal recessive. Identifiers: MedGen C1850569, MONDO:0009725, OMIM 256030.

Submission:

Victorian Clinical Genetics Services, Murdoch Childrens Research Institute
Classification: Uncertain significance for Nemaline myopathy 2. Last evaluated: 2021-05-06. Review status: criteria provided, single submitter. Criteria: ACMG Guidelines, 2015. Collection method: clinical testing. Allele origin: germline. Inheritance: Autosomal recessive inheritance. Affected: yes.
Comment: Based on the classification scheme VCGS_Germline_v1.3.4, this variant is classified as VUS-3B. Following criteria are met: 0102 - Loss of function is a known mechanism of disease in this gene and is associated with autosomal recessive nemaline myopathy 2 (MIM#256030). (I) 0106 - This gene is associated with autosomal recessive disease. (I) 0200 - Variant is predicted to result in a missense amino acid change from serine to phenylalanine. (I) 0251 - This variant is heterozygous. (I) 0301 - Variant is absent from gnomAD (both v2 and v3). (SP) 0502 - Missense variant with conflicting in silico predictions and low conservation. (I) 0600 - Variant is located in the annotated nebulin repeat domain (Pfam). (I) 0705 - No comparable missense variants have previous evidence for pathogenicity. (I) 0807 - This variant has no previous evidence of pathogenicity. (I) 0905 - No published segregation evidence has been identified for this variant. (I) 1007 - No published functional evidence has been identified for this variant. (I) Legend: (SP) - Supporting pathogenic, (I) - Information, (SB) - Supporting benign

NM_001164508.2(NEB):c.11210C>T (p.Ser3737Phe)

Gene: NEB (nebulin; minus strand). Cytogenetic location: 2q23.3.
Variant type: single nucleotide variant.
Coding change: c.11210C>T on transcript NM_001164508.2 (MANE Select); coding-DNA position 11210, C replaced by T.
Protein change: p.Ser3737Phe; replaces serine 3737 with phenylalanine.
Molecular consequence: missense variant.
Genome position (GRCh38, 1-based): chr2:151,616,081, G>A on the plus strand (C>T on the coding strand, the complement: NEB is on the minus strand). VCF-style: chr2-151616081-G-A. GRCh37 (hg19) VCF-style: chr2-152472595-G-A.
Other names: c.11210C>T, p.Ser3737Phe (NM_001164507.2, NM_001271208.2); c.10481C>T, p.Ser3494Phe (NM_004543.5); short protein forms S3494F, S3737F.
Identifiers: ClinVar variation 2500790 (VCV002500790.2), dbSNP rs2552230684, ClinGen allele CA348784062.
Genomic context (GRCh38, chr2:151,616,081, plus strand): 5'-GAAGCCTTGGCTGCTTGGATTGGAATGGCATCCAGACGCAAGTCATAGCCTTCCTTCTTG[G>A]ACTCTTCCAAAGCAAGTTTATAGAGTTTCTGTAGAAAAGAAAGTCATTACTCATTTACTC-3'
Protein context (NP_001157980.2, residues 3727-3747): DKLYKLALEE[Ser3737Phe]KKEGYDLRLD